The following is an entry in ClinVar:

ClinVar aggregate classification (germline): Likely benign (1 of 4 stars; one submission).

gnomAD v4.1: 3 of 1,610,918 alleles (0.00019%); highest among the groups gnomAD compares: African/African-American, 0.0027%; no homozygotes.

Submission:

CeGaT Center for Human Genetics Tuebingen
Classification: Likely benign. Last evaluated: 2026-07-01. Review status: criteria provided, single submitter. Criteria: CeGaT Center For Human Genetics Tuebingen Variant Classification Criteria Version 2. Collection method: clinical testing. Allele origin: germline. Affected: yes. Observed: 1 variant allele.
Comment: KCNA3: BP4, BP7

NM_002232.5(KCNA3):c.291C>G (p.Gly97=)

Gene: KCNA3 (potassium voltage-gated channel subfamily A member 3; minus strand). Cytogenetic location: 1p13.3.
Variant type: single nucleotide variant.
Coding change: c.291C>G on transcript NM_002232.5 (MANE Select); coding-DNA position 291, C replaced by G.
Protein change: p.Gly97=; no amino-acid change (glycine 97 retained).
Molecular consequence: synonymous variant.
Genome position (GRCh38, 1-based): chr1:110,674,519, G>C on the plus strand (C>G on the coding strand, the complement: KCNA3 is on the minus strand). VCF-style: chr1-110674519-G-C. GRCh37 (hg19) VCF-style: chr1-111217141-G-C.
Identifiers: ClinVar variation 5040162 (VCV005040162.1).